The following is an entry in ClinVar:

ClinVar aggregate classification (germline): Uncertain significance (1 of 4 stars; one submission).

Conditions:
Pheochromocytoma/paraganglioma syndrome 3. Also called: GLOMUS TUMORS, FAMILIAL, 3; Paragangliomas 3; SDHC-Related Hereditary Paraganglioma-Pheochromocytoma Syndrome (Paragangliomas 3); SDHC-Related Hereditary Paraganglioma-Pheochromocytoma Syndrome. Identifiers: Orphanet 29072, MedGen C1854336, MONDO:0011544, OMIM 605373.
Gastrointestinal stromal tumor. Also called: Gastrointestinal stromal tumor, somatic; Gastrointestinal stroma tumor. Identifiers: Orphanet 44890, MedGen C0238198, MeSH D046152, MONDO:0011719, OMIM 606764, HP:0100723.

Submission:

Labcorp Genetics (formerly Invitae), Labcorp
Classification: Uncertain significance for Pheochromocytoma/paraganglioma syndrome 3; Gastrointestinal stromal tumor. Last evaluated: 2022-10-07. Review status: criteria provided, single submitter. Criteria: Invitae Variant Classification Sherloc (09022015). Collection method: clinical testing. Allele origin: germline.
Comment: This variant results in a copy number gain of the genomic region encompassing exon(s) 2-6 of the SDHC gene. This region includes the termination codon of the gene. This copy number gain extends beyond the assayed region for this gene and therefore may encompass additional genes. As the precise location of this event is unknown, it may be in tandem or it may be located elsewhere in the genome. This variant has not been reported in the literature in individuals affected with SDHC-related conditions. In summary, the available evidence is currently insufficient to determine the role of this variant in disease. Therefore, it has been classified as a Variant of Uncertain Significance.

NC_000001.11:g.(?_161323604)_(161362518_?)dup

Gene: SDHC (succinate dehydrogenase complex subunit C; plus strand). Cytogenetic location: 1q23.3.
Variant type: Duplication.
Identifiers: ClinVar variation 832819 (VCV000832819.15).